The following is an entry in ClinVar:

ClinVar aggregate classification (germline): Benign. Review status: criteria provided, multiple submitters, no conflicts (2 of 4 stars). 19 submissions from 18 submitters: Benign (15). 4 of the submissions do not count toward it. Last evaluated 2026-02-04.

Conditions:
Megacystis, microcolon, hypoperistalsis syndrome. Also called: Berdon syndrome; Megacystis-microcolon-intestinal hypoperistalsis syndrome. Identifiers: Orphanet 2241, MedGen C1608393, MONDO:0025986.
Familial thoracic aortic aneurysm and aortic dissection (TAAD). Also called: Thoracic aortic aneurysms and dissections. Identifiers: Orphanet 91387, MedGen C4707243, MONDO:0019625.
Aortic aneurysm, familial thoracic 7 (AAT7). Also called: AORTIC DISSECTION, FAMILIAL, WITH OR WITHOUT AORTIC ANEURYSM. Identifiers: MedGen C3151077, MONDO:0013418, OMIM 613780.

Allele frequency attached by ClinVar (database versions not stated): 1000 Genomes Project 30x 0.84978; 1000 Genomes Project 0.85623; TOPMed 0.87185; ESP Exome Variant Server 0.87244; gnomAD 0.88650; ExAC 0.94450; gnomAD exomes 0.94836 and 0.97828.
gnomAD v4.1: 1,563,054 of 1,613,666 alleles (97%); highest among the groups gnomAD compares: Non-Finnish European, 100%; 762,095 homozygotes.

Submissions (19):

Labcorp Genetics (formerly Invitae), Labcorp
Classification: Benign for Aortic aneurysm, familial thoracic 7. Last evaluated: 2026-02-04. Review status: criteria provided, single submitter. Criteria: Invitae Variant Classification Sherloc (09022015). Collection method: clinical testing. Allele origin: germline.

ARUP Laboratories, Molecular Genetics and Genomics, ARUP Laboratories
Classification: Benign. Last evaluated: 2025-07-29. Review status: criteria provided, single submitter. Criteria: ARUP Molecular Germline Variant Investigation Process 2024. Collection method: clinical testing. Allele origin: germline.

Molecular Diagnostic Laboratory for Inherited Cardiovascular Disease, Montreal Heart Institute
Classification: Benign. Last evaluated: 2025-04-09. Review status: criteria provided, single submitter. Criteria: ACMG Guidelines, 2015. Collection method: clinical testing. Allele origin: germline. Affected: no.

Blueprint Genetics
Classification: Benign. Last evaluated: 2024-11-26. Review status: criteria provided, single submitter. Criteria: ACMG Guidelines, 2015. Collection method: clinical testing. Allele origin: germline.

Genome-Nilou Lab
Classification: Benign for Aortic aneurysm, familial thoracic 7. Last evaluated: 2021-09-05. Review status: criteria provided, single submitter. Criteria: ACMG Guidelines, 2015. Collection method: clinical testing. Allele origin: germline. Affected: no.

Genome-Nilou Lab
Classification: Benign for Megacystis-microcolon-intestinal hypoperistalsis syndrome 1. Last evaluated: 2021-09-05. Review status: criteria provided, single submitter. Criteria: ACMG Guidelines, 2015. Collection method: clinical testing. Allele origin: germline. Affected: no.

Illumina Laboratory Services, Illumina
Classification: Benign for Aortic aneurysm, familial thoracic 7. Last evaluated: 2018-03-06. Review status: criteria provided, single submitter. Criteria: ICSL Variant Classification Criteria 13 December 2019. Collection method: clinical testing. Allele origin: germline.
Comment: This variant was observed in the ICSL laboratory as part of a predisposition screen in an ostensibly healthy population. It had not been previously curated by ICSL or reported in the Human Gene Mutation Database (HGMD: prior to June 1st, 2018), and was therefore a candidate for classification through an automated scoring system. Utilizing variant allele frequency, disease prevalence and penetrance estimates, and inheritance mode, an automated score was calculated to assess if this variant is too frequent to cause the disease. Based on the score and internal cut-off values, a variant classified as benign is not then subjected to further curation. The score for this variant resulted in a classification of benign for this disease.

GeneDx
Classification: Benign. Last evaluated: 2016-09-22. Review status: criteria provided, single submitter. Criteria: GeneDx Variant Classification (06012015). Collection method: clinical testing. Allele origin: germline. Affected: yes.
Comment: This variant is considered likely benign or benign based on one or more of the following criteria: it is a conservative change, it occurs at a poorly conserved position in the protein, it is predicted to be benign by multiple in silico algorithms, and/or has population frequency not consistent with disease.

Women's Health and Genetics/Laboratory Corporation of America, LabCorp
Classification: Benign. Last evaluated: 2016-02-12. Review status: criteria provided, single submitter. Criteria: LabCorp Variant Classification Summary - May 2015. Collection method: clinical testing. Allele origin: germline.
Comment: Variant summary: This c.439C>T affects a conserved nucleotide, resulting in amino acid change from Pro to Ser. 3/4 in-silico tools predict this variant to be benign. This variant was found in 114076/120782 control chromosomes from ExAC at a frequency of 0.9444785, which is more than 75557 times greater than the maximal expected frequency of a pathogenic allele (0.0000125) in this gene. This proves that this variant is a very common polymorphism. One clinical lab (via ClinVar) has classified this variant as benign. Taken together, this variant has been classified as Benign.

Ambry Genetics
Classification: Benign for Familial thoracic aortic aneurysm and aortic dissection. Last evaluated: 2015-08-07. Review status: criteria provided, single submitter. Criteria: Ambry Variant Classification Scheme 2023. Collection method: clinical testing. Allele origin: germline.

Eurofins Ntd Llc (ga)
Classification: Benign. Last evaluated: 2015-05-22. Review status: criteria provided, single submitter. Criteria: EGL Classification Definitions 2015. Collection method: clinical testing. Allele origin: germline. Observed: 1 variant allele, 1 heterozygote.

Laboratory for Molecular Medicine, Mass General Brigham Personalized Medicine
Classification: Benign. Last evaluated: 2014-12-02. Review status: criteria provided, single submitter. Criteria: LMM Criteria. Collection method: clinical testing. Allele origin: germline. Observed: 37 variant alleles.
Comment: This is a RefSeq error. The reference base (c.439C) is the minor allele. This al lele (C) has been identified in 0.7% (61/8600) of European American chromosomes and 36% (1598/4406) of African American chromosomes by the NHLBI Exome Sequencin g Project (dbSNP rs9840993) and thus meets cr iteria to be classified as benign.

Mayo Clinic Laboratories, Mayo Clinic
Classification: Benign. Last evaluated: 2014-02-05. Review status: criteria provided, single submitter. Criteria: ACMG Guidelines, 2015. Collection method: clinical testing. Allele origin: germline. Observed: 1,461 variant alleles.

Breakthrough Genomics
Classification: Benign. Review status: criteria provided, single submitter. Criteria: ACMG Guidelines, 2015. Collection method: not provided. Allele origin: germline. Inheritance: Autosomal recessive inheritance. Affected: yes.

PreventionGenetics, part of Exact Sciences
Classification: Benign. Review status: criteria provided, single submitter. Criteria: ACMG Guidelines, 2015. Collection method: clinical testing. Allele origin: germline.

Clinical Genetics DNA and cytogenetics Diagnostics Lab, Erasmus MC, Erasmus Medical Center
Classification: Benign. Review status: no assertion criteria provided. Collection method: clinical testing. Allele origin: germline. Affected: yes. Study: VKGL Data-share Consensus. Not counted in ClinVar's aggregate classification.

Diagnostic Laboratory, Department of Genetics, University Medical Center Groningen
Classification: Benign for Aortic aneurysm, familial thoracic 7. Review status: no assertion criteria provided. Collection method: clinical testing. Allele origin: germline. Affected: yes. Study: VKGL Data-share Consensus. Not counted in ClinVar's aggregate classification.

Genome Diagnostics Laboratory, Amsterdam University Medical Center
Classification: Benign. Review status: no assertion criteria provided. Collection method: clinical testing. Allele origin: germline. Affected: yes. Study: VKGL Data-share Consensus. Not counted in ClinVar's aggregate classification.

Joint Genome Diagnostic Labs from Nijmegen and Maastricht, Radboudumc and MUMC+
Classification: Benign. Review status: no assertion criteria provided. Collection method: clinical testing. Allele origin: germline. Affected: yes. Study: VKGL Data-share Consensus. Not counted in ClinVar's aggregate classification.

NM_053025.4(MYLK):c.439C>T (p.Pro147Ser)

Gene: MYLK (myosin light chain kinase; minus strand). Cytogenetic location: 3q21.1.
Variant type: single nucleotide variant.
Coding change: c.439C>T on transcript NM_053025.4 (MANE Select); coding-DNA position 439, C replaced by T.
Protein change: p.Pro147Ser; replaces proline 147 with serine.
Molecular consequence: missense variant. On other transcripts: 5 prime UTR variant (1).
Genome position (GRCh38, 1-based): chr3:123,739,046, G>A on the plus strand (C>T on the coding strand, the complement: MYLK is on the minus strand). VCF-style: chr3-123739046-G-A. GRCh37 (hg19) VCF-style: chr3-123457893-G-A.
Other names: c.-90C>T (NM_001321309.2); c.439C>T, p.Pro147Ser (NM_053026.4, NM_053027.4, NM_053028.4); short protein forms P147S.
Identifiers: ClinVar variation 198606 (VCV000198606.48), dbSNP rs9840993, ClinGen allele CA024846.